The following is an entry in ClinVar:

ClinVar aggregate classification (germline): Uncertain significance. Review status: criteria provided, single submitter (1 of 4 stars). 3 submissions from 2 submitters: Uncertain significance (1). 2 of the submissions do not count toward it. Last evaluated 2025-08-08.

Conditions:
MASTOCYTOSIS, CUTANEOUS AND SYSTEMIC, SOMATIC. Identifiers: MedGen C4749139.
Gastrointestinal stromal tumor. Also called: Gastrointestinal stroma tumor; Gastrointestinal stromal tumor, somatic. Identifiers: Orphanet 44890, MedGen C0238198, MeSH D046152, MONDO:0011719, OMIM 606764, HP:0100723.
Acute myeloid leukemia (AML). Also called: Acute myeloid leukemia, adult; AML adult; Acute non-lymphocytic leukemia; Acute granulocytic leukemia; Leukemia, acute myeloid, somatic; Leukemia, acute myelogenous, somatic. Identifiers: Orphanet 519, MedGen C0023467, MeSH D015470, MONDO:0018874, OMIM 601626, HP:0004808. Disease mechanism: Constitutively activated FLT3.

Submissions (3):

Labcorp Genetics (formerly Invitae), Labcorp
Classification: Uncertain significance for Gastrointestinal stromal tumor. Last evaluated: 2025-08-08. Review status: criteria provided, single submitter. Criteria: Invitae Variant Classification Sherloc (09022015). Collection method: clinical testing. Allele origin: germline.
Comment: This sequence change replaces aspartic acid, which is acidic and polar, with tyrosine, which is neutral and polar, at codon 816 of the KIT protein (p.Asp816Tyr). This variant is not present in population databases (gnomAD no frequency). This missense change has been observed in individuals with KIT-related conditions (PMID: 16605139, 16873565, 17976525; internal data). ClinVar contains an entry for this variant (Variation ID: 13860). An algorithm developed to predict the effect of missense changes on protein structure and function (PolyPhen-2) suggests that this variant is likely to be disruptive. Experimental studies have shown that this missense change affects KIT function (PMID: 21640708). In summary, the available evidence is currently insufficient to determine the role of this variant in disease. Therefore, it has been classified as a Variant of Uncertain Significance.

OMIM
Classification: Pathogenic for LEUKEMIA, ACUTE MYELOID, SOMATIC. Last evaluated: 1998-07-15. Review status: no assertion criteria provided. Collection method: literature only. Allele origin: somatic. Not counted in ClinVar's aggregate classification.

OMIM
Classification: Pathogenic for MASTOCYTOSIS, CUTANEOUS AND SYSTEMIC, SOMATIC. Last evaluated: 1998-07-15. Review status: no assertion criteria provided. Collection method: literature only. Allele origin: somatic. Not counted in ClinVar's aggregate classification.

Literature cited by the submitters: PubMed 16605139 (cited by Labcorp Genetics (formerly Invitae), Labcorp); PubMed 16873565 (cited by Labcorp Genetics (formerly Invitae), Labcorp); PubMed 17976525 (cited by Labcorp Genetics (formerly Invitae), Labcorp); PubMed 21640708 (cited by Labcorp Genetics (formerly Invitae), Labcorp); PubMed 9657776 (cited by OMIM); PubMed 7513208 (cited by OMIM); PubMed 8589724 (cited by OMIM); PubMed 19865100 (cited by OMIM).

NM_000222.3(KIT):c.2446G>T (p.Asp816Tyr)

Gene: KIT (KIT proto-oncogene, receptor tyrosine kinase; plus strand). Cytogenetic location: 4q12.
Variant type: single nucleotide variant.
Coding change: c.2446G>T on transcript NM_000222.3 (MANE Select); coding-DNA position 2446, G replaced by T.
Protein change: p.Asp816Tyr; replaces aspartic acid 816 with tyrosine.
Molecular consequence: missense variant.
Genome position (GRCh38, 1-based): chr4:54,733,154, G>T. VCF-style: chr4-54733154-G-T. GRCh37 (hg19) VCF-style: chr4-55599320-G-T.
Other names: c.2434G>T, p.Asp812Tyr (NM_001093772.2, NM_001385292.1); c.2449G>T, p.Asp817Tyr (NM_001385284.1); c.2443G>T, p.Asp815Tyr (NM_001385285.1); c.2431G>T, p.Asp811Tyr (NM_001385286.1); c.2437G>T, p.Asp813Tyr (NM_001385288.1); c.2446G>T, p.Asp816Tyr (NM_001385290.1); short protein forms D816Y, D812Y, D811Y, D813Y, D815Y, D817Y.
Identifiers: ClinVar variation 13860 (VCV000013860.4), dbSNP rs121913506, ClinGen allele CA280196.